The following is an entry in ClinVar:

ClinVar aggregate classification (germline): Likely pathogenic (1 of 4 stars; one submission).

Conditions:
46 XY differences of sex development. Also called: 46, XY disorder of sex development (DSD); 46,XY disorder of sex development. Identifiers: Orphanet 98085, MedGen C2751824, MONDO:0020040.
Oligosynaptic infertility (SPGF1). Also called: SPERMATOGENIC FAILURE 1; OLIGOCHIASMATIC INFERTILITY. Identifiers: MedGen C0403810, MONDO:0009776, OMIM 258150.

Submission:

Labcorp Genetics (formerly Invitae), Labcorp
Classification: Likely pathogenic for 46 XY differences of sex development; Oligosynaptic infertility. Last evaluated: 2024-07-17. Review status: criteria provided, single submitter. Criteria: Invitae Variant Classification Sherloc (09022015). Collection method: clinical testing. Allele origin: germline.
Comment: This sequence change falls in intron 2 of the NR5A1 gene. It does not directly change the encoded amino acid sequence of the NR5A1 protein. It affects a nucleotide within the consensus splice site. This variant is not present in population databases (gnomAD no frequency). This variant has been observed in individual(s) with NR5A1-related conditions (PMID: 19439508, 36745277). In at least one individual the variant was observed to be de novo. Variants that disrupt the consensus splice site are a relatively common cause of aberrant splicing (PMID: 17576681, 9536098). Algorithms developed to predict the effect of sequence changes on RNA splicing suggest that this variant may disrupt the consensus splice site. In summary, the currently available evidence indicates that the variant is pathogenic, but additional data are needed to prove that conclusively. Therefore, this variant has been classified as Likely Pathogenic.

Literature cited by the submitters: PubMed 19439508; PubMed 36745277; PubMed 17576681; PubMed 9536098.

NM_004959.5(NR5A1):c.103-3C>A

Gene: NR5A1 (nuclear receptor subfamily 5 group A member 1; minus strand). Cytogenetic location: 9q33.3.
Variant type: single nucleotide variant.
Coding change: c.103-3C>A on transcript NM_004959.5 (MANE Select); 3 bases into the intron before coding-DNA position 103, C replaced by A.
Molecular consequence: intron variant.
Genome position (GRCh38, 1-based): chr9:124,503,223, G>T on the plus strand (C>A on the coding strand, the complement: NR5A1 is on the minus strand). VCF-style: chr9-124503223-G-T. GRCh37 (hg19) VCF-style: chr9-127265502-G-T.
Identifiers: ClinVar variation 3759142 (VCV003759142.2).